The following is an entry in ClinVar:

NM_000297.4(PKD2):c.1444T>G (p.Phe482Val)

Gene: PKD2 (polycystin 2, transient receptor potential cation channel; plus strand). Cytogenetic location: 4q22.1.
Variant type: single nucleotide variant.
Coding change: c.1444T>G on transcript NM_000297.4 (MANE Select); coding-DNA position 1444, T replaced by G.
Protein change: p.Phe482Val; replaces phenylalanine 482 with valine.
Molecular consequence: missense variant. On other transcripts: non-coding transcript variant (1).
Genome position (GRCh38, 1-based): chr4:88,046,766, T>G. VCF-style: chr4-88046766-T-G. GRCh37 (hg19) VCF-style: chr4-88967918-T-G.
Other names: short protein forms F482V.
Identifiers: ClinVar variation 633687 (VCV000633687.16), dbSNP rs201504575, ClinGen allele CA3003947.

ClinVar aggregate classification (germline): Uncertain significance. Review status: criteria provided, multiple submitters, no conflicts (2 of 4 stars). 6 submissions from 6 submitters: Uncertain significance (4). 2 of the submissions do not count toward it. Last evaluated 2025-12-17.

Conditions:
Autosomal dominant polycystic kidney disease. Identifiers: Orphanet 730, MedGen C0085413, MONDO:0004691.
Polycystic kidney disease 2 (PKD2). Also called: Polycystic Kidney Disease 2, Autosomal Dominant; POLYCYSTIC KIDNEY DISEASE, ADULT, TYPE II; POLYCYSTIC KIDNEY DISEASE 2 WITH OR WITHOUT POLYCYSTIC LIVER DISEASE. Identifiers: MedGen C2751306, MONDO:0013131, OMIM 613095.
PKD2-related disorder. Also called: PKD2-related condition.

Allele frequency attached by ClinVar (database versions not stated): gnomAD exomes 0.00002 and 0.00003; ExAC 0.00003; gnomAD 0.00004 and 0.00005; TOPMed 0.00008; 1000 Genomes Project 30x 0.00016; 1000 Genomes Project 0.00020.
gnomAD v4.1: 39 of 1,611,914 alleles (0.0024%); highest among the groups gnomAD compares: Middle Eastern, 0.017%; no homozygotes.

Submissions (6):

Labcorp Genetics (formerly Invitae), Labcorp
Classification: Uncertain significance for Autosomal dominant polycystic kidney disease. Last evaluated: 2025-12-17. Review status: criteria provided, single submitter. Criteria: Invitae Variant Classification Sherloc (09022015). Collection method: clinical testing. Allele origin: germline.
Comment: This sequence change replaces phenylalanine, which is neutral and non-polar, with valine, which is neutral and non-polar, at codon 482 of the PKD2 protein (p.Phe482Val). This variant is present in population databases (rs201504575, gnomAD 0.007%). This missense change has been observed in individual(s) with polycystic kidney disease (PMID: 22034641). ClinVar contains an entry for this variant (Variation ID: 633687). Invitae Evidence Modeling of protein sequence and biophysical properties (such as structural, functional, and spatial information, amino acid conservation, physicochemical variation, residue mobility, and thermodynamic stability) indicates that this missense variant is not expected to disrupt PKD2 protein function with a negative predictive value of 80%. In summary, the available evidence is currently insufficient to determine the role of this variant in disease. Therefore, it has been classified as a Variant of Uncertain Significance.

GeneDx
Classification: Uncertain significance. Last evaluated: 2025-03-30. Review status: criteria provided, single submitter. Criteria: GeneDx Variant Classification Process June 2021. Collection method: clinical testing. Allele origin: germline. Affected: yes.
Comment: Reported in a patient with renal and hepatic cysts in published literature (PMID: 22034641); limited information available; In silico analysis indicates that this missense variant does not alter protein structure/function; This variant is associated with the following publications: (PMID: 30476936, 22034641)

Fulgent Genetics
Classification: Uncertain significance for Polycystic kidney disease 2. Last evaluated: 2024-05-11. Review status: criteria provided, single submitter. Criteria: ACMG Guidelines, 2015. Collection method: clinical testing. Allele origin: germline.

Mendelics
Classification: Uncertain significance for Polycystic kidney disease 2. Last evaluated: 2019-05-28. Review status: criteria provided, single submitter. Criteria: Mendelics Assertion Criteria 2017. Collection method: clinical testing. Allele origin: unknown.

PreventionGenetics, part of Exact Sciences
Classification: Uncertain significance for PKD2-related condition. Last evaluated: 2024-01-22. Review status: no assertion criteria provided. Collection method: clinical testing. Allele origin: germline. Not counted in ClinVar's aggregate classification.
Comment: The PKD2 c.1444T>G variant is predicted to result in the amino acid substitution p.Phe482Val. This variant has been reported in a family with polycystic kidney disease (Bergmann et al. 2011. PubMed ID: 22034641). In Family A of Bergmann et al. study, a fetus who has compound heterozygous pathogenic variants in PKHD1 and this PKD2 variant in the heterozygous state was more severely affected than the second fetus who only has compound heterozygous pathogenic variants in PKHD1; and this PKD2 variant was inherited from the mother with several renal and hepatic cysts, suggestive of adult-onset autosomal dominant polycystic kidney disease (ADPKD). These findings suggested that this PKD2 variant could be pathogenic or act as a modifier of disease expression. This variant is reported in 0.0062% of alleles in individuals of African descent in gnomAD. Of note, a different substitution affecting the same codon, defined as c.1445T>G (p.Phe482Cys), has been reported in individuals with polycystic kidney disease, but the vast majority of the interpretations is benign or likely benign in the literature and in the ClinVar database (Human Gene Mutation Database). At this time, the clinical significance of the c.1444T>G (p.Phe482Val) variant is uncertain due to the absence of conclusive functional and genetic evidence.

Gharavi Laboratory, Columbia University
Classification: Uncertain significance. Last evaluated: 2018-09-16. Review status: no assertion criteria provided. Criteria: ACMG Guidelines, 2015. Collection method: research. Allele origin: germline. Affected: no. Not counted in ClinVar's aggregate classification.

Literature cited by the submitters: PubMed 22034641 (cited by Labcorp Genetics (formerly Invitae), Labcorp).